The following is an entry in ClinVar:

ClinVar aggregate classification (germline): Uncertain significance (1 of 4 stars; one submission).

Conditions:
Ataxia-telangiectasia syndrome (AT). Also called: LOUIS-BAR SYNDROME; AT, COMPLEMENTATION GROUP C; ATAXIA-TELANGIECTASIA, COMPLEMENTATION GROUP A; ATAXIA-TELANGIECTASIA, FRESNO VARIANT; Ataxia-telangiectasia; Cerebello-oculocutaneous telangiectasia. Identifiers: Orphanet 100, MedGen C0004135, MONDO:0008840, OMIM 208900.

Submission:

Labcorp Genetics (formerly Invitae), Labcorp
Classification: Uncertain significance for Ataxia-telangiectasia syndrome. Last evaluated: 2023-08-18. Review status: criteria provided, single submitter. Criteria: Invitae Variant Classification Sherloc (09022015). Collection method: clinical testing. Allele origin: germline.
Comment: This variant is not present in population databases (gnomAD no frequency). This sequence change replaces proline, which is neutral and non-polar, with leucine, which is neutral and non-polar, at codon 444 of the ATM protein (p.Pro444Leu). This variant has not been reported in the literature in individuals affected with ATM-related conditions. In summary, the available evidence is currently insufficient to determine the role of this variant in disease. Therefore, it has been classified as a Variant of Uncertain Significance. Algorithms developed to predict the effect of missense changes on protein structure and function output the following: SIFT: "Not Available"; PolyPhen-2: "Benign"; Align-GVGD: "Not Available". The leucine amino acid residue is found in multiple mammalian species, which suggests that this missense change does not adversely affect protein function.

NM_000051.4(ATM):c.1331C>T (p.Pro444Leu)

Gene: ATM (ATM serine/threonine kinase; plus strand). Cytogenetic location: 11q22.3.
Variant type: single nucleotide variant.
Coding change: c.1331C>T on transcript NM_000051.4 (MANE Select); coding-DNA position 1331, C replaced by T.
Protein change: p.Pro444Leu; replaces proline 444 with leucine.
Molecular consequence: missense variant.
Genome position (GRCh38, 1-based): chr11:108,250,796, C>T. VCF-style: chr11-108250796-C-T. GRCh37 (hg19) VCF-style: chr11-108121523-C-T.
Other names: c.1331C>T, p.Pro444Leu (NM_001351834.2); short protein forms P444L.
Identifiers: ClinVar variation 2753650 (VCV002753650.3), dbSNP rs2080096939, ClinGen allele CA382533711.